The following is an entry in ClinVar:

NM_198253.3(TERT):c.1918G>T (p.Val640Leu)

Gene: TERT (telomerase reverse transcriptase; minus strand). Cytogenetic location: 5p15.33.
Variant type: single nucleotide variant.
Coding change: c.1918G>T on transcript NM_198253.3 (MANE Select); coding-DNA position 1918, G replaced by T.
Protein change: p.Val640Leu; replaces valine 640 with leucine.
Molecular consequence: missense variant. On other transcripts: non-coding transcript variant (2).
Genome position (GRCh38, 1-based): chr5:1,280,190, C>A on the plus strand (G>T on the coding strand, the complement: TERT is on the minus strand). VCF-style: chr5-1280190-C-A. GRCh37 (hg19) VCF-style: chr5-1280305-C-A.
Other names: c.1918G>T, p.Val640Leu (NM_001193376.3); short protein forms V640L.
Identifiers: ClinVar variation 645601 (VCV000645601.9), dbSNP rs765195721, ClinGen allele CA359081188.
Genomic context (GRCh38, chr5:1,280,190, plus strand): 5'-AAAGGAAGTTAAACCAAAGCACAGCCACCCTCTTTTCTCTGCGGAACGTTCTGGCTCCCA[C>A]GACGTAGTCCATGTTCACAATCGGCCGCAGCCCGTCAGGCTTGGGGATGAAGCGGAGTCT-3'
Protein context (NP_937983.2, residues 630-650): LRPIVNMDYV[Val640Leu]GARTFRREKR

ClinVar aggregate classification (germline): Uncertain significance (1 of 4 stars; one submission).

Conditions:
Dyskeratosis congenita, autosomal dominant 2. Identifiers: MedGen C3151443, MONDO:0013521, OMIM 613989.
Idiopathic Pulmonary Fibrosis. Also called: Idiopathic fibrosing alveolitis, chronic form; idiopathic fibrosing alveolitis. Identifiers: Orphanet 2032, MedGen C1800706, MeSH D054990, MONDO:0800504.

Allele frequency attached by ClinVar (database versions not stated): TOPMed 0.00001.
gnomAD v4.1: 2 of 1,614,096 alleles (0.00012%); highest among the groups gnomAD compares: East Asian, 0.0022%; no homozygotes.

Submission:

Labcorp Genetics (formerly Invitae), Labcorp
Classification: Uncertain significance for Dyskeratosis congenita, autosomal dominant 2; Idiopathic Pulmonary Fibrosis. Last evaluated: 2020-07-24. Review status: criteria provided, single submitter. Criteria: Invitae Variant Classification Sherloc (09022015). Collection method: clinical testing. Allele origin: germline.
Comment: This variant has not been reported in the literature in individuals with TERT-related disease. This variant is not present in population databases (ExAC no frequency). This sequence change replaces valine with leucine at codon 640 of the TERT protein (p.Val640Leu). The valine residue is weakly conserved and there is a small physicochemical difference between valine and leucine. Algorithms developed to predict the effect of missense changes on protein structure and function output the following: SIFT: "Tolerated"; PolyPhen-2: "Benign"; Align-GVGD: "Class C0". The leucine amino acid residue is found in multiple mammalian species, suggesting that this missense change does not adversely affect protein function. These predictions have not been confirmed by published functional studies and their clinical significance is uncertain. In summary, the available evidence is currently insufficient to determine the role of this variant in disease. Therefore, it has been classified as a Variant of Uncertain Significance.